The following is an entry in ClinVar:

NM_015557.3(CHD5):c.1207G>C (p.Glu403Gln)

Gene: CHD5 (chromodomain helicase DNA binding protein 5; minus strand). Cytogenetic location: 1p36.31.
Variant type: single nucleotide variant.
Coding change: c.1207G>C on transcript NM_015557.3 (MANE Select); coding-DNA position 1207, G replaced by C.
Protein change: p.Glu403Gln; replaces glutamic acid 403 with glutamine.
Molecular consequence: missense variant.
Genome position (GRCh38, 1-based): chr1:6,149,030, C>G on the plus strand (G>C on the coding strand, the complement: CHD5 is on the minus strand). VCF-style: chr1-6149030-C-G. GRCh37 (hg19) VCF-style: chr1-6209090-C-G.
Other names: short protein forms E403Q.
Identifiers: ClinVar variation 2692540 (VCV002692540.1), dbSNP rs981376427, ClinGen allele CA17174370.
Genomic context (GRCh38, chr1:6,149,030, plus strand): 5'-TGCACACGCGGCAGAACTCCATGTGGTCGTCCTCCTCCTCCTCGCAGCCGCCCTCCTCCT[C>G]TTCATCGTCGTCGTCCTTCGGCTCCCACTGGATCCCCTCCTTCTCCTGGGGGAGGAGGCC-3'
Protein context (NP_056372.1, residues 393-413): QWEPKDDDDE[Glu403Gln]EEGGCEEEED

ClinVar aggregate classification (germline): Uncertain significance (1 of 4 stars; one submission).

Allele frequency attached by ClinVar (database versions not stated): TOPMed below 0.00001.

Submission:

Greenwood Genetic Center Diagnostic Laboratories, Greenwood Genetic Center
Classification: Uncertain significance. Last evaluated: 2023-10-11. Review status: criteria provided, single submitter. Criteria: ACMG Guidelines, 2015. Collection method: clinical testing. Allele origin: germline. Affected: yes.
Comment: PM2, PP2